The following is an entry in ClinVar:

ClinVar aggregate classification (germline): Uncertain significance. Review status: criteria provided, multiple submitters, no conflicts (2 of 4 stars). 2 submissions from 2 submitters: Uncertain significance (2). Last evaluated 2024-08-26.

Conditions:
Oligodontia-cancer predisposition syndrome. Also called: TOOTH AGENESIS-COLORECTAL CANCER SYNDROME. Identifiers: Orphanet 300576, MedGen C1837750, MONDO:0012075, OMIM 608615. Disease mechanism: loss of function.
Hereditary cancer-predisposing syndrome. Also called: Hereditary neoplastic syndrome; Neoplastic Syndromes, Hereditary; Tumor predisposition; Hereditary Cancer Syndrome. Identifiers: Orphanet 140162, MedGen C0027672, MeSH D009386, MONDO:0015356.

Submissions (2):

Ambry Genetics
Classification: Uncertain significance for Hereditary cancer-predisposing syndrome. Last evaluated: 2024-08-26. Review status: criteria provided, single submitter. Criteria: Ambry Variant Classification Scheme 2023. Collection method: clinical testing. Allele origin: germline.
Comment: The c.2412_2419delCTTCAAAA variant, located in coding exon 10 of the AXIN2 gene, results from a deletion of 8 nucleotides at nucleotide positions 2412 to 2419, causing a translational frameshift with a predicted alternate stop codon (p.Y804*). This alteration occurs at the 3' terminus of theAXIN2 gene, is not expected to trigger nonsense-mediated mRNAdecay, and only impacts the last 4.7% of the protein. The exact functional effect of this alteration is unknown. Based on the available evidence, the clinical significance of this variant remains unclear.

Labcorp Genetics (formerly Invitae), Labcorp
Classification: Uncertain significance for Oligodontia-cancer predisposition syndrome. Last evaluated: 2019-04-14. Review status: criteria provided, single submitter. Criteria: Invitae Variant Classification Sherloc (09022015). Collection method: clinical testing. Allele origin: germline.
Comment: This variant is not present in population databases (ExAC no frequency). In summary, the available evidence is currently insufficient to determine the role of this variant in disease. Therefore, it has been classified as a Variant of Uncertain Significance. Experimental studies and prediction algorithms are not available for this variant, and the functional significance of the affected amino acid(s) is currently unknown. This variant has not been reported in the literature in individuals with AXIN2-related conditions. This sequence change results in a premature translational stop signal in the AXIN2 gene (p.Tyr804*). While this is not anticipated to result in nonsense mediated decay, it is expected to delete the last 40 amino acids of the AXIN2 protein.

NM_004655.4(AXIN2):c.2412_2419del (p.Tyr804_Lys807delinsTer)

Gene: AXIN2 (axin 2; minus strand). Cytogenetic location: 17q24.1.
Variant type: Deletion.
Coding change: c.2412_2419del on transcript NM_004655.4 (MANE Select); coding-DNA positions 2412 to 2419, 8 bases deleted (CTTCAAAA; older notation c.2412_2419delCTTCAAAA).
Protein change: p.Tyr804_Lys807delinsTer.
Molecular consequence: nonsense.
Genome position (GRCh38, 1-based): chr17:65,530,089-65,530,096, TTTTGAAG deleted on the plus strand (CTTCAAAA on the coding strand, the reverse complement: AXIN2 is on the minus strand); deleting any 8 consecutive bases within chr17:65,530,089-65,530,097 gives the same sequence; the c. name uses the placement nearest the transcript's 3' end. VCF-style (leftmost placement, unchanged base first): chr17-65530088-TTTTTGAAG-T. GRCh37 (hg19) VCF-style: chr17-63526206-TTTTTGAAG-T.
Other names: c.2217_2224del, p.Tyr739_Lys742delinsTer (NM_001363813.1); c.2412_2419delCTTCAAAA (NM_004655.3).
Identifiers: ClinVar variation 948031 (VCV000948031.8), dbSNP rs2043791581, ClinGen allele CA1139665826.